The following is an entry in ClinVar:

ClinVar aggregate classification (germline): Conflicting classifications of pathogenicity. Review status: criteria provided, conflicting classifications (1 of 4 stars). 5 submissions from 4 submitters: Uncertain significance (4); Benign (1). Last evaluated 2025-07-31.

Conditions:
Cardiovascular phenotype. Identifiers: MedGen CN230736.
Hereditary cancer-predisposing syndrome. Also called: Tumor predisposition; Hereditary Cancer Syndrome; Hereditary neoplastic syndrome; Neoplastic Syndromes, Hereditary. Identifiers: Orphanet 140162, MedGen C0027672, MeSH D009386, MONDO:0015356.
Juvenile myelomonocytic leukemia (JMML). Also called: LEUKEMIA, JUVENILE MYELOMONOCYTIC, SOMATIC. Identifiers: Orphanet 86834, MedGen C0349639, MONDO:0011908, OMIM 607785, HP:0012209.
Neurofibromatosis, type 1 (NF1). Also called: VON RECKLINGHAUSEN DISEASE; NEUROFIBROMATOSIS, TYPE I, SOMATIC; Peripheral type neurofibromatosis; Neurofibromatosis, type I. Identifiers: Orphanet 636, MedGen C0027831, MONDO:0018975, OMIM 162200. Disease mechanism: loss of function.

Allele frequency attached by ClinVar (database versions not stated): gnomAD exomes below 0.00001; ExAC 0.00001; gnomAD 0.00001; TOPMed 0.00002; ESP Exome Variant Server 0.00008.
gnomAD v4.1: 4 of 1,613,066 alleles (0.00025%); highest among the groups gnomAD compares: African/African-American, 0.004%; no homozygotes.

Submissions (5):

Labcorp Genetics (formerly Invitae), Labcorp
Classification: Benign for Neurofibromatosis, type 1. Last evaluated: 2025-07-31. Review status: criteria provided, single submitter. Criteria: Invitae Variant Classification Sherloc (09022015). Collection method: clinical testing. Allele origin: germline.

Baylor Genetics
Classification: Uncertain significance for Juvenile myelomonocytic leukemia. Last evaluated: 2023-09-09. Review status: criteria provided, single submitter. Criteria: ACMG Guidelines, 2015. Collection method: clinical testing. Allele origin: unknown.

Genome-Nilou Lab
Classification: Uncertain significance for Neurofibromatosis, type 1. Last evaluated: 2022-03-15. Review status: criteria provided, single submitter. Criteria: ACMG Guidelines, 2015. Collection method: clinical testing. Allele origin: germline. Affected: no.

Ambry Genetics
Classification: Uncertain significance for Cardiovascular phenotype; Hereditary cancer-predisposing syndrome. Last evaluated: 2021-05-07. Review status: criteria provided, single submitter. Criteria: Ambry Variant Classification Scheme 2023. Collection method: clinical testing. Allele origin: germline.

Ambry Genetics
Classification: Uncertain significance for Hereditary cancer-predisposing syndrome. Last evaluated: 2015-08-20. Review status: criteria provided, single submitter. Criteria: Ambry Autosomal Dominant and X-Linked criteria (10/2015). Collection method: clinical testing. Allele origin: germline. Observed: 1 variant allele.
Comment: The p.M881I variant (also known as c.2643G>A), located in coding exon 21 of the NF1 gene, results from a G to A substitution at nucleotide position 2643. The methionine at codon 881 is replaced by isoleucine, an amino acid with highly similar properties. This variant was previously reported in the SNPDatabase as rs376666221. Based on data from the NHLBI Exome Sequencing Project (ESP), the A allele has an overall frequency of approximately 0.01% (1/13006) total alleles studied, having been observed in0.01% (1/8600) European American alleles. To date, this alteration has been detected with an allele frequency of approximately 0.002% (greater than 55000 alleles tested) in our clinical cohort.This amino acid position is conserved through Tenrec. In addition, this alteration is predicted to be tolerated by in silico analysis.Since supporting evidence is limited at this time, the clinical significance of p.M881Iremains unclear.

NM_001042492.3(NF1):c.2643G>A (p.Met881Ile)

Gene: NF1 (neurofibromin 1; plus strand). Cytogenetic location: 17q11.2.
Variant type: single nucleotide variant.
Coding change: c.2643G>A on transcript NM_001042492.3 (MANE Select); coding-DNA position 2643, G replaced by A.
Protein change: p.Met881Ile; replaces methionine 881 with isoleucine.
Molecular consequence: missense variant.
Genome position (GRCh38, 1-based): chr17:31,229,258, G>A. VCF-style: chr17-31229258-G-A. GRCh37 (hg19) VCF-style: chr17-29556276-G-A.
Other names: c.2643G>A, p.Met881Ile (NM_000267.4); short protein forms M881I.
Identifiers: ClinVar variation 233450 (VCV000233450.14), dbSNP rs376666221, ClinGen allele CA8486013.